The following is an entry in ClinVar:

NM_005609.4(PYGM):c.1513G>T (p.Ala505Ser)

Gene: PYGM (glycogen phosphorylase, muscle associated; minus strand). Cytogenetic location: 11q13.1.
Variant type: single nucleotide variant.
Coding change: c.1513G>T on transcript NM_005609.4 (MANE Select); coding-DNA position 1513, G replaced by T.
Protein change: p.Ala505Ser; replaces alanine 505 with serine.
Molecular consequence: missense variant.
Genome position (GRCh38, 1-based): chr11:64,753,078, C>A on the plus strand (G>T on the coding strand, the complement: PYGM is on the minus strand). VCF-style: chr11-64753078-C-A. GRCh37 (hg19) VCF-style: chr11-64520550-C-A.
Other names: c.1249G>T, p.Ala417Ser (NM_001164716.1); short protein forms A505S, A417S.
Identifiers: ClinVar variation 1977346 (VCV001977346.5), dbSNP rs2496655040, ClinGen allele CA381174603.
Genomic context (GRCh38, chr11:64,753,078, plus strand): 5'-GCTGATCCCTGCAGGGACCCATGTTGACTCTACTGGCCCTACGGTGGCCTCTCACCTCAG[C>A]AATGACCTCTGCCAGCCCGGGGTTACACAGAACCAGCCAGCGCCGAGGGGTGATGCCGTT-3'
Protein context (NP_005600.1, residues 495-515): LCNPGLAEVI[Ala505Ser]ERIGEDFISD

ClinVar aggregate classification (germline): Uncertain significance (1 of 4 stars; one submission).

Conditions:
Glycogen storage disease, type V (GSD5). Also called: McArdle type glycogen storage disease; MCARDLE DISEASE; MUSCLE GLYCOGEN PHOSPHORYLASE DEFICIENCY; MYOPHOSPHORYLASE DEFICIENCY; PYGM DEFICIENCY. Identifiers: Orphanet 368, MedGen C0017924, MONDO:0009293, OMIM 232600.

Submission:

Labcorp Genetics (formerly Invitae), Labcorp
Classification: Uncertain significance for Glycogen storage disease, type V. Last evaluated: 2024-02-21. Review status: criteria provided, single submitter. Criteria: Invitae Variant Classification Sherloc (09022015). Collection method: clinical testing. Allele origin: germline.
Comment: This sequence change replaces alanine, which is neutral and non-polar, with serine, which is neutral and polar, at codon 505 of the PYGM protein (p.Ala505Ser). This variant is not present in population databases (gnomAD no frequency). This variant has not been reported in the literature in individuals affected with PYGM-related conditions. ClinVar contains an entry for this variant (Variation ID: 1977346). Advanced modeling of protein sequence and biophysical properties (such as structural, functional, and spatial information, amino acid conservation, physicochemical variation, residue mobility, and thermodynamic stability) performed at Invitae indicates that this missense variant is not expected to disrupt PYGM protein function with a negative predictive value of 95%. In summary, the available evidence is currently insufficient to determine the role of this variant in disease. Therefore, it has been classified as a Variant of Uncertain Significance.